The following is an entry in ClinVar:

ClinVar aggregate classification (germline): Pathogenic (1 of 4 stars; one submission).

Conditions:
Autosomal dominant Alport syndrome (ATS3A). Also called: Alport syndrome dominant type; Renal failure and sensorineural hearing loss; ALPORT SYNDROME 3A, AUTOSOMAL DOMINANT. Identifiers: Orphanet 63, Orphanet 88918, MedGen C5882663, MONDO:0007086, OMIM 104200.

Submission:

Centre de Génétique Humaine, Institut de Pathologie Et de Génétique
Classification: Pathogenic for Autosomal dominant Alport syndrome. Last evaluated: 2026-04-29. Review status: criteria provided, single submitter. Criteria: ACMG Guidelines, 2015. Collection method: clinical testing. Allele origin: maternal, germline. Inheritance: Autosomal dominant inheritance. Affected: yes. Observed: 3 variant alleles, 3 heterozygotes. Clinical features observed: Microscopic hematuria (HP:0002907), Moderate albuminuria (HP:0012594), Multiple renal cysts (HP:0005562). Segregation with disease observed.
Comment: Nonsense variant predicted to result in protein truncation or nonsense mediated decay in a gene for which loss-of-function is a known mechanism of disease (PVS1). This variant is rare: absent in gnomAD v4.1.0 database (PM2). Same variant resulting from another nucleotide change (c.948T>A) described in ClinVar as LP

NM_000092.5(COL4A4):c.948T>G (p.Tyr316Ter)

Gene: COL4A4 (collagen type IV alpha 4 chain; minus strand). Cytogenetic location: 2q36.3.
Variant type: single nucleotide variant.
Coding change: c.948T>G on transcript NM_000092.5 (MANE Select); coding-DNA position 948, T replaced by G.
Protein change: p.Tyr316Ter; replaces tyrosine 316 with a stop codon.
Molecular consequence: nonsense.
Genome position (GRCh38, 1-based): chr2:227,101,892, A>C on the plus strand (T>G on the coding strand, the complement: COL4A4 is on the minus strand). VCF-style: chr2-227101892-A-C. GRCh37 (hg19) VCF-style: chr2-227966608-A-C.
Other names: p.(Tyr316*); short protein forms Y316*.
Identifiers: ClinVar variation 4884685 (VCV004884685.1).